The following is an entry in ClinVar:

NM_001321571.2(CAMK2D):c.275+1G>T

Gene: CAMK2D (calcium/calmodulin dependent protein kinase II delta; minus strand). Cytogenetic location: 4q26.
Variant type: single nucleotide variant.
Coding change: c.275+1G>T on transcript NM_001321571.2 (MANE Select); the canonical splice donor site of the intron after coding-DNA position 275, G replaced by T.
Molecular consequence: splice donor variant.
Genome position (GRCh38, 1-based): chr4:113,609,151, C>A on the plus strand (G>T on the coding strand, the complement: CAMK2D is on the minus strand). VCF-style: chr4-113609151-C-A. GRCh37 (hg19) VCF-style: chr4-114530307-C-A.
Other names: c.158+1G>T (NM_001399859.1, NM_001321581.2, NM_001399861.1 and 2 more transcripts); c.-314+1G>T (NM_001399865.1, NM_001321585.2); c.275+1G>T (NM_172115.3, NM_172114.2, NM_172129.2 and 33 more transcripts); c.-241+1G>T (NM_001321578.2); c.-186+1G>T (NM_001399864.1, NM_001399863.1).
Identifiers: ClinVar variation 1343374 (VCV001343374.2), dbSNP rs2098989283, ClinGen allele CA357994071.

ClinVar aggregate classification (germline): Uncertain significance. Review status: criteria provided, single submitter (1 of 4 stars). 2 submissions from 2 submitters: Uncertain significance (1). 1 of the submissions does not count toward it. Last evaluated 2026-02-02.

Conditions:
Neurodevelopmental disorder. Identifiers: MedGen C1535926, MeSH D065886, MONDO:0700092.

Submissions (2):

GeneDx
Classification: Uncertain significance. Last evaluated: 2026-02-02. Review status: criteria provided, single submitter. Criteria: GeneDx Variant Classification Process June 2021. Collection method: clinical testing. Allele origin: germline.
Comment: Canonical splice site variant with an unclear effect on protein function; Not observed at significant frequency in large population cohorts (gnomAD); This variant is associated with the following publications: (PMID: 39631163, 38272033, 38965372)

Laboratory of Molecular Genetics (Pr. Bezieau's lab), CHU de Nantes
Classification: Pathogenic for Neurodevelopmental disorder. Last evaluated: 2022-03-07. Review status: no assertion criteria provided. Collection method: research. Allele origin: de novo. Affected: yes. Not counted in ClinVar's aggregate classification.